The following is an entry in ClinVar:

NM_004333.6(BRAF):c.79G>A (p.Ala27Thr)

Gene: BRAF (B-Raf proto-oncogene, serine/threonine kinase; minus strand). Cytogenetic location: 7q34.
Variant type: single nucleotide variant.
Coding change: c.79G>A on transcript NM_004333.6 (MANE Select); coding-DNA position 79, G replaced by A.
Protein change: p.Ala27Thr; replaces alanine 27 with threonine.
Molecular consequence: missense variant.
Genome position (GRCh38, 1-based): chr7:140,924,625, C>T on the plus strand (G>A on the coding strand, the complement: BRAF is on the minus strand). VCF-style: chr7-140924625-C-T. GRCh37 (hg19) VCF-style: chr7-140624425-C-T.
Other names: c.79G>A, p.Ala27Thr (NM_001354609.2, NM_001374244.1, NM_001374258.1 and 7 more transcripts); short protein forms A27T.
Identifiers: ClinVar variation 1422721 (VCV001422721.7), dbSNP rs1247014863, ClinGen allele CA369590141.

ClinVar aggregate classification (germline): Uncertain significance. Review status: criteria provided, multiple submitters, no conflicts (2 of 4 stars). 2 submissions from 2 submitters: Uncertain significance (2). Last evaluated 2025-10-01.

Conditions:
RASopathy. Also called: Noonan spectrum disorder; rasopathies. Identifiers: Orphanet 536391, MedGen C5555857, MONDO:0021060.

Allele frequency attached by ClinVar (database versions not stated): gnomAD exomes below 0.00001 and 0.00001; TOPMed 0.00002.
gnomAD v4.1: 2 of 1,519,830 alleles (0.00013%); highest among the groups gnomAD compares: East Asian, 0.0049%; no homozygotes.

Submissions (2):

Labcorp Genetics (formerly Invitae), Labcorp
Classification: Uncertain significance for RASopathy. Last evaluated: 2025-10-01. Review status: criteria provided, single submitter. Criteria: Invitae Variant Classification Sherloc (09022015). Collection method: clinical testing. Allele origin: germline.
Comment: This sequence change replaces alanine, which is neutral and non-polar, with threonine, which is neutral and polar, at codon 27 of the BRAF protein (p.Ala27Thr). This variant is present in population databases (no rsID available, gnomAD 0.01%). This variant has not been reported in the literature in individuals affected with BRAF-related conditions. ClinVar contains an entry for this variant (Variation ID: 1422721). Invitae Evidence Modeling of protein sequence and biophysical properties (such as structural, functional, and spatial information, amino acid conservation, physicochemical variation, residue mobility, and thermodynamic stability) indicates that this missense variant is not expected to disrupt BRAF protein function with a negative predictive value of 95%. In summary, the available evidence is currently insufficient to determine the role of this variant in disease. Therefore, it has been classified as a Variant of Uncertain Significance.

Women's Health and Genetics/Laboratory Corporation of America, LabCorp
Classification: Uncertain significance. Last evaluated: 2025-03-31. Review status: criteria provided, single submitter. Criteria: LabCorp Variant Classification Summary - May 2015. Collection method: clinical testing. Allele origin: germline.
Comment: Variant summary: BRAF c.79G>A (p.Ala27Thr) results in a non-conservative amino acid change in the encoded protein sequence. Three of five in-silico tools predict a benign effect of the variant on protein function. The variant allele was found at a frequency of 7.9e-06 in 125910 control chromosomes (gnomAD). The available data on variant occurrences in the general population are insufficient to allow any conclusion about variant significance. c.79G>A has been reported in the literature in at least an individual affected with Brugada Syndrome (Chen _2022). This report, however, does not provide unequivocal conclusions about association of the variant with Cardiofaciocutaneous Syndrome. To our knowledge, no experimental evidence demonstrating an impact on protein function has been reported. The following publication has been ascertained in the context of this evaluation (PMID: 36303204). ClinVar contains an entry for this variant (Variation ID: 1422721). Based on the evidence outlined above, the variant was classified as uncertain significance.

Literature cited by the submitters: PubMed 36303204 (cited by Women's Health and Genetics/Laboratory Corporation of America, LabCorp).